The following is an entry in ClinVar:

NM_144701.3(IL23R):c.827A>G (p.Tyr276Cys)

Gene: IL23R (interleukin 23 receptor; plus strand). Cytogenetic location: 1p31.3.
Variant type: single nucleotide variant.
Coding change: c.827A>G on transcript NM_144701.3 (MANE Select); coding-DNA position 827, A replaced by G.
Protein change: p.Tyr276Cys; replaces tyrosine 276 with cysteine.
Molecular consequence: missense variant.
Genome position (GRCh38, 1-based): chr1:67,219,602, A>G. VCF-style: chr1-67219602-A-G. GRCh37 (hg19) VCF-style: chr1-67685285-A-G.
Other names: short protein forms Y276C.
Identifiers: ClinVar variation 4696752 (VCV004696752.1).

ClinVar aggregate classification (germline): Uncertain significance (1 of 4 stars; one submission).

Submission:

Labcorp Genetics (formerly Invitae), Labcorp
Classification: Uncertain significance. Last evaluated: 2025-07-09. Review status: criteria provided, single submitter. Criteria: Invitae Variant Classification Sherloc (09022015). Collection method: clinical testing. Allele origin: germline.
Comment: This sequence change replaces tyrosine, which is neutral and polar, with cysteine, which is neutral and slightly polar, at codon 276 of the IL23R protein (p.Tyr276Cys). This variant is not present in population databases (gnomAD no frequency). This variant has not been reported in the literature in individuals affected with IL23R-related conditions. An algorithm developed to predict the effect of missense changes on protein structure and function (PolyPhen-2) suggests that this variant is likely to be disruptive. In summary, the available evidence is currently insufficient to determine the role of this variant in disease. Therefore, it has been classified as a Variant of Uncertain Significance.